The following is an entry in ClinVar:

ClinVar aggregate classification (germline): Pathogenic. Review status: reviewed by expert panel (3 of 4 stars). 2 submissions from 2 submitters: Pathogenic (1). 1 of the submissions does not count toward it. Last evaluated 2016-10-18.

Conditions:
Breast-ovarian cancer, familial, susceptibility to, 2 (BROVCA2). Also called: BRCA2 Hereditary Breast and Ovarian Cancer. Identifiers: Orphanet 145, MedGen C2675520, MONDO:0012933, OMIM 612555. Disease mechanism: loss of function.

Submissions (2):

Evidence-based Network for the Interpretation of Germline Mutant Alleles (ENIGMA)
Classification: Pathogenic for Breast-ovarian cancer, familial, susceptibility to, 2. Last evaluated: 2016-10-18. Review status: reviewed by expert panel. Criteria: ENIGMA BRCA1/2 Classification Criteria (2015). Collection method: curation. Allele origin: germline.
Comment: Variant allele predicted to encode a truncated non-functional protein.

Consortium of Investigators of Modifiers of BRCA1/2 (CIMBA), c/o University of Cambridge
Classification: Pathogenic for Breast-ovarian cancer, familial, susceptibility to, 2. Last evaluated: 2015-10-02. Review status: criteria provided, single submitter. Criteria: CIMBA Mutation Classification guidelines May 2016. Collection method: clinical testing. Allele origin: germline. Not counted in ClinVar's aggregate classification.

NM_000059.4(BRCA2):c.2197del (p.Val733fs)

Gene: BRCA2 (BRCA2 DNA repair associated; plus strand). Cytogenetic location: 13q13.1.
Variant type: Deletion.
Coding change: c.2197del on transcript NM_000059.4 (MANE Select); coding-DNA position 2197, one base deleted (G; older notation c.2197delG).
Protein change: p.Val733fs; shifts the reading frame from valine 733.
Molecular consequence: frameshift variant.
Genome position (GRCh38, 1-based): chr13:32,336,552, G deleted; the last of 2 consecutive G bases (chr13:32,336,551-32,336,552); deleting either gives the same sequence. VCF-style (leftmost placement, unchanged base first): chr13-32336550-AG-A. GRCh37 (hg19) VCF-style: chr13-32910687-AG-A.
Other names: 2425delG; short protein forms V733fs.
Identifiers: ClinVar variation 266682 (VCV000266682.7), dbSNP rs886040409, ClinGen allele CA10589139.
Genomic context (GRCh38, chr13:32,336,550, plus strand): 5'-TGCAGGAAGGACAGTGTGAAAATGATCCAAAAAGCAAAAAAGTTTCAGATATAAAAGAAG[AG>A]GTCTTGGCTGCAGCATGTCACCCAGTACAACATTCAAAAGTGGAATACAGTGATACTGAC-3'